The following is an entry in ClinVar:

NM_015213.4(DENND5A):c.1991A>G (p.Lys664Arg)

Gene: DENND5A (DENN domain containing 5A; minus strand). Cytogenetic location: 11p15.4.
Variant type: single nucleotide variant.
Coding change: c.1991A>G on transcript NM_015213.4 (MANE Select); coding-DNA position 1991, A replaced by G.
Protein change: p.Lys664Arg; replaces lysine 664 with arginine.
Molecular consequence: missense variant. On other transcripts: non-coding transcript variant (1).
Genome position (GRCh38, 1-based): chr11:9,170,693, T>C on the plus strand (A>G on the coding strand, the complement: DENND5A is on the minus strand). VCF-style: chr11-9170693-T-C. GRCh37 (hg19) VCF-style: chr11-9192240-T-C.
Other names: c.1991A>G, p.Lys664Arg (NM_001243254.2, NM_001348748.1); c.1919A>G, p.Lys640Arg (NM_001348749.2); c.1703A>G, p.Lys568Arg (NM_001348750.2); short protein forms K568R, K664R, K640R.
Identifiers: ClinVar variation 1942148 (VCV001942148.2), dbSNP rs764692235, ClinGen allele CA5877465.

ClinVar aggregate classification (germline): Uncertain significance (1 of 4 stars; one submission).

Allele frequency attached by ClinVar (database versions not stated): gnomAD 0.00001; TOPMed 0.00001; ExAC 0.00002; gnomAD exomes 0.00003.
gnomAD v4.1: 50 of 1,613,904 alleles (0.0031%); highest among the groups gnomAD compares: Non-Finnish European, 0.0042%; no homozygotes.

Submission:

Labcorp Genetics (formerly Invitae), Labcorp
Classification: Uncertain significance. Last evaluated: 2022-06-28. Review status: criteria provided, single submitter. Criteria: Invitae Variant Classification Sherloc (09022015). Collection method: clinical testing. Allele origin: germline.
Comment: This sequence change replaces lysine, which is basic and polar, with arginine, which is basic and polar, at codon 664 of the DENND5A protein (p.Lys664Arg). This variant is present in population databases (rs764692235, gnomAD 0.005%). This variant has not been reported in the literature in individuals affected with DENND5A-related conditions. Algorithms developed to predict the effect of missense changes on protein structure and function (SIFT, PolyPhen-2, Align-GVGD) all suggest that this variant is likely to be tolerated. In summary, the available evidence is currently insufficient to determine the role of this variant in disease. Therefore, it has been classified as a Variant of Uncertain Significance.